The following is an entry in ClinVar:

ClinVar aggregate classification (germline): Likely benign. Review status: criteria provided, multiple submitters, no conflicts (2 of 4 stars). 5 submissions from 5 submitters: Likely benign (5). Last evaluated 2025-12-13.

Conditions:
RASopathy. Also called: rasopathies; Noonan spectrum disorder. Identifiers: Orphanet 536391, MedGen C5555857, MONDO:0021060.

Allele frequency attached by ClinVar (database versions not stated): ExAC 0.00001; gnomAD exomes 0.00002 and 0.00011; TOPMed 0.00003; gnomAD 0.00004.
gnomAD v4.1: 167 of 1,613,082 alleles (0.01%); highest among the groups gnomAD compares: Non-Finnish European, 0.014%; no homozygotes.

Submissions (5):

Labcorp Genetics (formerly Invitae), Labcorp
Classification: Likely benign for RASopathy. Last evaluated: 2025-12-13. Review status: criteria provided, single submitter. Criteria: Invitae Variant Classification Sherloc (09022015). Collection method: clinical testing. Allele origin: germline.

Women's Health and Genetics/Laboratory Corporation of America, LabCorp
Classification: Likely benign. Last evaluated: 2024-11-15. Review status: criteria provided, single submitter. Criteria: LabCorp Variant Classification Summary - May 2015. Collection method: clinical testing. Allele origin: germline.

Blueprint Genetics
Classification: Likely benign. Last evaluated: 2023-12-14. Review status: criteria provided, single submitter. Criteria: ACMG Guidelines, 2015. Collection method: clinical testing. Allele origin: germline.

ARUP Laboratories, Molecular Genetics and Genomics, ARUP Laboratories
Classification: Likely benign. Last evaluated: 2021-11-24. Review status: criteria provided, single submitter. Criteria: ARUP Molecular Germline Variant Investigation Process 2021. Collection method: clinical testing. Allele origin: germline.

GeneDx
Classification: Likely benign. Last evaluated: 2018-05-21. Review status: criteria provided, single submitter. Criteria: GeneDx Variant Classification (06012015). Collection method: clinical testing. Allele origin: germline. Affected: yes.
Comment: This variant is considered likely benign or benign based on one or more of the following criteria: it is a conservative change, it occurs at a poorly conserved position in the protein, it is predicted to be benign by multiple in silico algorithms, and/or has population frequency not consistent with disease.

NM_033360.4(KRAS):c.112-10C>T

Gene: KRAS (KRas proto-oncogene, GTPase; minus strand). Cytogenetic location: 12p12.1.
Variant type: single nucleotide variant.
Coding change: c.112-10C>T on transcript NM_033360.4 (MANE Plus Clinical); 10 bases into the intron before coding-DNA position 112, C replaced by T.
Molecular consequence: intron variant.
Genome position (GRCh38, 1-based): chr12:25,227,422, G>A on the plus strand (C>T on the coding strand, the complement: KRAS is on the minus strand). VCF-style: chr12-25227422-G-A. GRCh37 (hg19) VCF-style: chr12-25380356-G-A.
Other names: c.112-10C>T (LRG_344t2, LRG_344t1, NM_001369787.1 and 2 more transcripts).
Identifiers: ClinVar variation 477690 (VCV000477690.19), dbSNP rs760989619, ClinGen allele CA6486915.